The following is an entry in ClinVar:

ClinVar aggregate classification (germline): Conflicting classifications of pathogenicity. Review status: criteria provided, conflicting classifications (1 of 4 stars). 4 submissions from 4 submitters: Uncertain significance (1); Likely benign (3). Last evaluated 2025-11-24.

Conditions:
Hereditary cancer-predisposing syndrome. Also called: Neoplastic Syndromes, Hereditary; Tumor predisposition; Hereditary Cancer Syndrome; Hereditary neoplastic syndrome. Identifiers: Orphanet 140162, MedGen C0027672, MeSH D009386, MONDO:0015356.
Hereditary breast ovarian cancer syndrome. Also called: BRCA1- and BRCA2-Associated Hereditary Breast and Ovarian Cancer; Hereditary breast and ovarian cancer syndrome; Hereditary breast and ovarian cancer; Hereditary breast and ovarian cancer syndrome (HBOC); Breast and ovarian cancer; Hereditary breast and/or ovarian cancer syndrome. Identifiers: Orphanet 145, MedGen C0677776, MeSH D061325, MONDO:0003582. Disease mechanism: loss of function.

Allele frequency attached by ClinVar (database versions not stated): gnomAD exomes below 0.00001.

Submissions (4):

Ambry Genetics
Classification: Uncertain significance for Hereditary cancer-predisposing syndrome. Last evaluated: 2025-11-24. Review status: criteria provided, single submitter. Criteria: Ambry Variant Classification Scheme 2023. Collection method: clinical testing. Allele origin: germline.
Comment: The p.M1594I variant (also known as c.4782G>T), located in coding exon 10 of the BRCA2 gene, results from a G to T substitution at nucleotide position 4782. The methionine at codon 1594 is replaced by isoleucine, an amino acid with highly similar properties. This alteration was detected in 1/166 female breast and/or ovarian cancer patients (Schubert S et al. Genes Cancer, 2017 Jan;8:472-483). This amino acid position is not well conserved in available vertebrate species. In addition, this alteration is predicted to be tolerated by in silico analysis. Since supporting evidence is limited at this time, the clinical significance of this alteration remains unclear.

Center for Genomic Medicine, Rigshospitalet, Copenhagen University Hospital
Classification: Likely benign. Last evaluated: 2025-03-04. Review status: criteria provided, single submitter. Criteria: ACMG Guidelines, 2015. Collection method: clinical testing. Allele origin: germline.
Comment: Classification criteria: BP1_strong

University of Washington Department of Laboratory Medicine, University of Washington
Classification: Likely benign for Hereditary cancer-predisposing syndrome. Last evaluated: 2023-03-23. Review status: criteria provided, single submitter. Criteria: Dines et al. (Genet Med. 2020). Collection method: curation. Allele origin: germline.
Comment: Missense variant in a coldspot region where missense variants are very unlikely to be pathogenic (PMID:31911673).

BRCA2 exon 11 coldspot. Reclassification based on statistical prior probability.

Labcorp Genetics (formerly Invitae), Labcorp
Classification: Likely benign for Hereditary breast ovarian cancer syndrome. Last evaluated: 2022-01-26. Review status: criteria provided, single submitter. Criteria: Invitae Variant Classification Sherloc (09022015). Collection method: clinical testing. Allele origin: germline.

Literature cited by the submitters: PubMed 28435519 (cited by Ambry Genetics).

NM_000059.4(BRCA2):c.4782G>T (p.Met1594Ile)

Gene: BRCA2 (BRCA2 DNA repair associated; plus strand). Cytogenetic location: 13q13.1.
Variant type: single nucleotide variant.
Coding change: c.4782G>T on transcript NM_000059.4 (MANE Select); coding-DNA position 4782, G replaced by T.
Protein change: p.Met1594Ile; replaces methionine 1594 with isoleucine.
Molecular consequence: missense variant.
Genome position (GRCh38, 1-based): chr13:32,339,137, G>T. VCF-style: chr13-32339137-G-T. GRCh37 (hg19) VCF-style: chr13-32913274-G-T.
Other names: short protein forms M1594I.
Identifiers: ClinVar variation 231056 (VCV000231056.16), dbSNP rs876658930, ClinGen allele CA10579631.
Genomic context (GRCh38, chr13:32,339,137, plus strand): 5'-AGACCTTGAATTAGCATGTGAGACCATTGAGATCACAGCTGCCCCAAAGTGTAAAGAAAT[G>T]CAGAATTCTCTCAATAATGATAAAAACCTTGTTTCTATTGAGACTGTGGTGCCACCTAAG-3'
Protein context (NP_000050.3, residues 1584-1604): EITAAPKCKE[Met1594Ile]QNSLNNDKNL